The following is an entry in ClinVar:

ClinVar aggregate classification (germline): Uncertain significance (1 of 4 stars; one submission).

Submission:

Ambry Genetics
Classification: Uncertain significance. Last evaluated: 2026-05-14. Review status: criteria provided, single submitter. Criteria: Ambry Variant Classification Scheme 2023. Collection method: clinical testing. Allele origin: germline.
Comment: The p.S505Y variant (also known as c.1514C>A), located in coding exon 13 of the GEN1 gene, results from a C to A substitution at nucleotide position 1514. The serine at codon 505 is replaced by tyrosine, an amino acid with dissimilar properties. This amino acid position is conserved. In addition, this alteration is predicted to be tolerated by in silico analysis. Based on the available evidence, the clinical significance of this variant remains unclear.

NM_001130009.3(GEN1):c.1514C>A (p.Ser505Tyr)

Gene: GEN1 (GEN1 structure-specific endonuclease; plus strand). Cytogenetic location: 2p24.2.
Variant type: single nucleotide variant.
Coding change: c.1514C>A on transcript NM_001130009.3 (MANE Select); coding-DNA position 1514, C replaced by A.
Protein change: p.Ser505Tyr; replaces serine 505 with tyrosine.
Molecular consequence: missense variant.
Genome position (GRCh38, 1-based): chr2:17,780,726, C>A. VCF-style: chr2-17780726-C-A. GRCh37 (hg19) VCF-style: chr2-17961993-C-A.
Other names: c.1514C>A, p.Ser505Tyr (NM_182625.5); short protein forms S505Y.
Identifiers: ClinVar variation 4857973 (VCV004857973.1).